The following is an entry in ClinVar:

ClinVar aggregate classification (germline): Pathogenic/Likely pathogenic. Review status: criteria provided, multiple submitters, no conflicts (2 of 4 stars). 5 submissions from 5 submitters: Pathogenic (3); Likely pathogenic (1). 1 of the submissions does not count toward it. Last evaluated 2025-05-30.

Conditions:
Methylmalonic aciduria due to methylmalonyl-CoA mutase deficiency (MAMM). Also called: Methylmalonic aciduria, mut type. Identifiers: Orphanet 27, MedGen C1855114, MONDO:0009612, OMIM 251000.
Methylmalonic aciduria due to complete methylmalonyl-CoA mutase deficiency.

Allele frequency attached by ClinVar (database versions not stated): gnomAD exomes below 0.00001 and 0.00003; gnomAD 0.00001 and 0.00002; TOPMed 0.00002.
gnomAD v4.1: 41 of 1,613,188 alleles (0.0025%); highest among the groups gnomAD compares: Admixed American, 0.005%; no homozygotes.

Submissions (5):

Natera, Inc.
Classification: Pathogenic for Methylmalonic aciduria due to complete methylmalonyl-CoA mutase deficiency. Last evaluated: 2025-05-30. Review status: criteria provided, single submitter. Criteria: Natera Variant Classification Schema (03/2026). Collection method: clinical testing. Allele origin: germline.
Comment: The c.983T>C variant in MMUT is a missense variant predicted to cause substitution of leucine to proline at amino acid 328. This variant is rare in the general population with a frequency below the threshold expected for the associated phenotype(s). This variant has been observed in one or more individuals affected with the associated recessive disease, as either homozygous or compound heterozygous with a second variant (PMID: 15781192, 17957493, 27167370). Functional studies show that this variant may disrupt protein function (PMID: 17957493). A different variant at the same position has been determined to be Pathogenic or Likely Pathogenic. Computational prediction algorithms indicate this variant is likely to affect gene or protein function. Given the available evidence, this variant is classified as Pathogenic.

Labcorp Genetics (formerly Invitae), Labcorp
Classification: Pathogenic. Last evaluated: 2025-04-28. Review status: criteria provided, single submitter. Criteria: Invitae Variant Classification Sherloc (09022015). Collection method: clinical testing. Allele origin: germline.
Comment: This sequence change replaces leucine, which is neutral and non-polar, with proline, which is neutral and non-polar, at codon 328 of the MUT protein (p.Leu328Pro). This variant is present in population databases (no rsID available, gnomAD 0.003%). This missense change has been observed in individual(s) with methylmalonic (PMID: 15781192, 22614770, 26790480, 32754920). In at least one individual the data is consistent with being in trans (on the opposite chromosome) from a pathogenic variant. ClinVar contains an entry for this variant (Variation ID: 552752). Invitae Evidence Modeling of protein sequence and biophysical properties (such as structural, functional, and spatial information, amino acid conservation, physicochemical variation, residue mobility, and thermodynamic stability) indicates that this missense variant is expected to disrupt MUT protein function with a positive predictive value of 95%. This variant disrupts the p.Leu328 amino acid residue in MUT. Other variant(s) that disrupt this residue have been determined to be pathogenic (PMID: 15643616, 17113806, 25125334, 27167370). This suggests that this residue is clinically significant, and that variants that disrupt this residue are likely to be disease-causing. For these reasons, this variant has been classified as Pathogenic.

Mendelics
Classification: Pathogenic for Methylmalonic aciduria due to methylmalonyl-CoA mutase deficiency. Last evaluated: 2022-05-04. Review status: criteria provided, single submitter. Criteria: Mendelics Assertion Criteria 2019. Collection method: clinical testing. Allele origin: germline.

Fulgent Genetics
Classification: Likely pathogenic for Methylmalonic aciduria due to methylmalonyl-CoA mutase deficiency. Last evaluated: 2021-07-16. Review status: criteria provided, single submitter. Criteria: ACMG Guidelines, 2015. Collection method: clinical testing. Allele origin: unknown.

Counsyl
Classification: Likely pathogenic for Methylmalonic aciduria due to methylmalonyl-CoA mutase deficiency. Last evaluated: 2017-07-05. Review status: no assertion criteria provided. Collection method: clinical testing. Allele origin: unknown. Not counted in ClinVar's aggregate classification.

Literature cited by the submitters: PubMed 15781192 (cited by Natera, Inc. and Labcorp Genetics (formerly Invitae), Labcorp); PubMed 17957493 (cited by Natera, Inc. and Counsyl); PubMed 27167370 (cited by Natera, Inc. and Labcorp Genetics (formerly Invitae), Labcorp); PubMed 22614770 (cited by Labcorp Genetics (formerly Invitae), Labcorp and Counsyl); PubMed 26790480 (cited by Labcorp Genetics (formerly Invitae), Labcorp); PubMed 32754920 (cited by Labcorp Genetics (formerly Invitae), Labcorp); PubMed 15643616 (cited by Labcorp Genetics (formerly Invitae), Labcorp); PubMed 17113806 (cited by Labcorp Genetics (formerly Invitae), Labcorp); PubMed 25125334 (cited by Labcorp Genetics (formerly Invitae), Labcorp); PubMed 17948227 (cited by Counsyl).

NM_000255.4(MMUT):c.983T>C (p.Leu328Pro)

Gene: MMUT (methylmalonyl-CoA mutase; minus strand). Cytogenetic location: 6p12.3.
Variant type: single nucleotide variant.
Coding change: c.983T>C on transcript NM_000255.4 (MANE Select); coding-DNA position 983, T replaced by C.
Protein change: p.Leu328Pro; replaces leucine 328 with proline.
Molecular consequence: missense variant.
Genome position (GRCh38, 1-based): chr6:49,453,685, A>G on the plus strand (T>C on the coding strand, the complement: MMUT is on the minus strand). VCF-style: chr6-49453685-A-G. GRCh37 (hg19) VCF-style: chr6-49421398-A-G.
Other names: short protein forms L328P.
Identifiers: ClinVar variation 552752 (VCV000552752.13), dbSNP rs965316043, ClinGen allele CA138797075.